The following is an entry in ClinVar:

ClinVar aggregate classification (germline): Uncertain significance. Review status: criteria provided, multiple submitters, no conflicts (2 of 4 stars). 2 submissions from 2 submitters: Uncertain significance (2). Last evaluated 2024-10-17.

Conditions:
Oligodontia-cancer predisposition syndrome. Also called: TOOTH AGENESIS-COLORECTAL CANCER SYNDROME. Identifiers: Orphanet 300576, MedGen C1837750, MONDO:0012075, OMIM 608615. Disease mechanism: loss of function.
Hereditary cancer-predisposing syndrome. Also called: Neoplastic Syndromes, Hereditary; Hereditary Cancer Syndrome; Hereditary neoplastic syndrome; Tumor predisposition. Identifiers: Orphanet 140162, MedGen C0027672, MeSH D009386, MONDO:0015356.

gnomAD v4.1: 1 of 1,613,910 alleles (0.000062%); highest among the groups gnomAD compares: African/African-American, 0.0013%; no homozygotes.

Submissions (2):

Ambry Genetics
Classification: Uncertain significance for Hereditary cancer-predisposing syndrome. Last evaluated: 2024-10-17. Review status: criteria provided, single submitter. Criteria: Ambry Variant Classification Scheme 2023. Collection method: clinical testing. Allele origin: germline.
Comment: The p.R326G variant (also known as c.976C>G), located in coding exon 3 of the AXIN2 gene, results from a C to G substitution at nucleotide position 976. The arginine at codon 326 is replaced by glycine, an amino acid with dissimilar properties. This amino acid position is conserved. In addition, the in silico prediction for this alteration is inconclusive. Based on the available evidence, the clinical significance of this variant remains unclear.

Labcorp Genetics (formerly Invitae), Labcorp
Classification: Uncertain significance for Oligodontia-cancer predisposition syndrome. Last evaluated: 2021-04-04. Review status: criteria provided, single submitter. Criteria: Invitae Variant Classification Sherloc (09022015). Collection method: clinical testing. Allele origin: germline.
Comment: In summary, the available evidence is currently insufficient to determine the role of this variant in disease. Therefore, it has been classified as a Variant of Uncertain Significance. Algorithms developed to predict the effect of missense changes on protein structure and function are either unavailable or do not agree on the potential impact of this missense change (SIFT: "Deleterious"; PolyPhen-2: "Possibly Damaging"; Align-GVGD: "Class C15"). This variant has not been reported in the literature in individuals with AXIN2-related conditions. This variant is not present in population databases (ExAC no frequency). This sequence change replaces arginine with glycine at codon 326 of the AXIN2 protein (p.Arg326Gly). The arginine residue is moderately conserved and there is a moderate physicochemical difference between arginine and glycine.

NM_004655.4(AXIN2):c.976C>G (p.Arg326Gly)

Gene: AXIN2 (axin 2; minus strand). Cytogenetic location: 17q24.1.
Variant type: single nucleotide variant.
Coding change: c.976C>G on transcript NM_004655.4 (MANE Select); coding-DNA position 976, C replaced by G.
Protein change: p.Arg326Gly; replaces arginine 326 with glycine.
Molecular consequence: missense variant.
Genome position (GRCh38, 1-based): chr17:65,541,538, G>C on the plus strand (C>G on the coding strand, the complement: AXIN2 is on the minus strand). VCF-style: chr17-65541538-G-C. GRCh37 (hg19) VCF-style: chr17-63537656-G-C.
Other names: c.976C>G, p.Arg326Gly (NM_001363813.1); c.976C>G (NM_004655.3); short protein forms R326G.
Identifiers: ClinVar variation 1419171 (VCV001419171.9), dbSNP rs201387209, ClinGen allele CA400679360.